The following is an entry in ClinVar:

ClinVar aggregate classification (germline): Likely benign (0 of 4 stars; one submission).

Conditions:
SMPD1-related disorder. Also called: SMPD1-related condition.

gnomAD v4.1: 2 of 1,605,230 alleles (0.00012%); highest among the groups gnomAD compares: Non-Finnish European, 0.00017%; no homozygotes.

Submission:

PreventionGenetics, part of Exact Sciences
Classification: Likely benign for SMPD1-related condition. Last evaluated: 2021-12-21. Review status: no assertion criteria provided. Collection method: clinical testing. Allele origin: germline.
Comment: This variant is classified as likely benign based on ACMG/AMP sequence variant interpretation guidelines (Richards et al. 2015 PMID: 25741868, with internal and published modifications).

NM_000543.5(SMPD1):c.1863C>T (p.Ala621=)

Gene: SMPD1 (sphingomyelin phosphodiesterase 1; plus strand). Cytogenetic location: 11p15.4.
Variant type: single nucleotide variant.
Coding change: c.1863C>T on transcript NM_000543.5 (MANE Select); coding-DNA position 1863, C replaced by T.
Protein change: p.Ala621=; no amino-acid change (alanine 621 retained).
Molecular consequence: synonymous variant. On other transcripts: 3 prime UTR variant (1), non-coding transcript variant (2).
Genome position (GRCh38, 1-based): chr11:6,394,574, C>T. VCF-style: chr11-6394574-C-T. GRCh37 (hg19) VCF-style: chr11-6415804-C-T.
Other names: c.1860C>T, p.Ala620= (NM_001007593.3); c.*356C>T (NM_001318087.2); c.942C>T, p.Ala314= (NM_001318088.2); c.1731C>T, p.Ala577= (NM_001365135.2).
Identifiers: ClinVar variation 3029111 (VCV003029111.2), dbSNP rs2493824516, ClinGen allele CA472910454.